The following is an entry in ClinVar:

NM_005502.4(ABCA1):c.2046G>A (p.Trp682Ter)

Gene: ABCA1 (ATP binding cassette subfamily A member 1; minus strand). Cytogenetic location: 9q31.1.
Variant type: single nucleotide variant.
Coding change: c.2046G>A on transcript NM_005502.4 (MANE Select); coding-DNA position 2046, G replaced by A.
Protein change: p.Trp682Ter; replaces tryptophan 682 with a stop codon.
Molecular consequence: nonsense.
Genome position (GRCh38, 1-based): chr9:104,828,985, C>T on the plus strand (G>A on the coding strand, the complement: ABCA1 is on the minus strand). VCF-style: chr9-104828985-C-T. GRCh37 (hg19) VCF-style: chr9-107591266-C-T.
Other names: short protein forms W682*.
Identifiers: ClinVar variation 3618784 (VCV003618784.2).
Genomic context (GRCh38, chr9:104,828,985, plus strand): 5'-GACCACTAGCAGGCCAGCGCTCACAAGAAGAGGAATGAGGCTACTAATGAACCAGCTAAA[C>T]CAGAGGATGCTGTTGTCCAGGCCCATGATCCGCATGGTCTCTTTCAGCCGTGCCTCCTTC-3'

ClinVar aggregate classification (germline): Pathogenic (1 of 4 stars; one submission).

gnomAD v4.1: 2 of 1,614,048 alleles (0.00012%); highest among the groups gnomAD compares: Non-Finnish European, 0.00017%; no homozygotes.

Submission:

Labcorp Genetics (formerly Invitae), Labcorp
Classification: Pathogenic. Last evaluated: 2024-11-03. Review status: criteria provided, single submitter. Criteria: Invitae Variant Classification Sherloc (09022015). Collection method: clinical testing. Allele origin: germline.
Comment: This sequence change creates a premature translational stop signal (p.Trp682*) in the ABCA1 gene. It is expected to result in an absent or disrupted protein product. Loss-of-function variants in ABCA1 are known to be pathogenic (PMID: 10525055, 10760292, 20880529). This variant is not present in population databases (gnomAD no frequency). This variant has not been reported in the literature in individuals affected with ABCA1-related conditions. For these reasons, this variant has been classified as Pathogenic.

Literature cited by the submitters: PubMed 10525055; PubMed 10760292; PubMed 20880529.